The following is an entry in ClinVar:

ClinVar aggregate classification (germline): Uncertain significance (1 of 4 stars; one submission).

Allele frequency attached by ClinVar (database versions not stated): gnomAD exomes below 0.00001.
gnomAD v4.1: 7 of 1,614,226 alleles (0.00043%); no homozygotes.

Submission:

Ambry Genetics
Classification: Uncertain significance. Last evaluated: 2024-09-30. Review status: criteria provided, single submitter. Criteria: Ambry Variant Classification Scheme 2023. Collection method: clinical testing. Allele origin: germline.
Comment: The p.D204N variant (also known as c.610G>A), located in coding exon 3 of the ALPK2 gene, results from a G to A substitution at nucleotide position 610. The aspartic acid at codon 204 is replaced by asparagine, an amino acid with highly similar properties. This amino acid position is conserved. In addition, this alteration is predicted to be tolerated by in silico analysis. Since supporting evidence is limited at this time, the clinical significance of this alteration remains unclear.

NM_052947.4(ALPK2):c.610G>A (p.Asp204Asn)

Gene: ALPK2 (alpha kinase 2; minus strand). Cytogenetic location: 18q21.31.
Variant type: single nucleotide variant.
Coding change: c.610G>A on transcript NM_052947.4 (MANE Select); coding-DNA position 610, G replaced by A.
Protein change: p.Asp204Asn; replaces aspartic acid 204 with asparagine.
Molecular consequence: missense variant.
Genome position (GRCh38, 1-based): chr18:58,580,166, C>T on the plus strand (G>A on the coding strand, the complement: ALPK2 is on the minus strand). VCF-style: chr18-58580166-C-T. GRCh37 (hg19) VCF-style: chr18-56247398-C-T.
Other names: short protein forms D204N.
Identifiers: ClinVar variation 1751672 (VCV001751672.3), dbSNP rs1293644043, ClinGen allele CA402567611.